The following is an entry in ClinVar:

ClinVar aggregate classification (germline): Uncertain significance (1 of 4 stars; one submission).

Conditions:
Inborn genetic diseases. Identifiers: MedGen C0950123, MeSH D030342.

Submission:

Ambry Genetics
Classification: Uncertain significance for Inborn genetic diseases. Last evaluated: 2025-08-14. Review status: criteria provided, single submitter. Criteria: Ambry Variant Classification Scheme 2023. Collection method: clinical testing. Allele origin: germline.
Comment: The p.L702P variant (also known as c.2105T>C), located in coding exon 13 of the ASXL1 gene, results from a T to C substitution at nucleotide position 2105. The leucine at codon 702 is replaced by proline, an amino acid with similar properties. This amino acid position is conserved. In addition, this alteration is predicted to be tolerated by in silico analysis. Based on the available evidence, the clinical significance of this variant remains unclear.

NM_015338.6(ASXL1):c.2105T>C (p.Leu702Pro)

Gene: ASXL1 (ASXL transcriptional regulator 1; plus strand). Cytogenetic location: 20q11.21.
Variant type: single nucleotide variant.
Coding change: c.2105T>C on transcript NM_015338.6 (MANE Select); coding-DNA position 2105, T replaced by C.
Protein change: p.Leu702Pro; replaces leucine 702 with proline.
Molecular consequence: missense variant.
Genome position (GRCh38, 1-based): chr20:32,434,817, T>C. VCF-style: chr20-32434817-T-C. GRCh37 (hg19) VCF-style: chr20-31022620-T-C.
Other names: c.1922T>C, p.Leu641Pro (NM_001363734.1); short protein forms L702P, L641P.
Identifiers: ClinVar variation 4158897 (VCV004158897.1).